The following is an entry in ClinVar:

ClinVar aggregate classification (germline): Pathogenic (1 of 4 stars; one submission).

Conditions:
Hereditary breast ovarian cancer syndrome. Also called: Breast and ovarian cancer; BRCA1- and BRCA2-Associated Hereditary Breast and Ovarian Cancer; Hereditary breast and ovarian cancer; Hereditary breast and/or ovarian cancer syndrome; Hereditary breast and ovarian cancer syndrome; Hereditary breast and ovarian cancer syndrome (HBOC). Identifiers: Orphanet 145, MedGen C0677776, MeSH D061325, MONDO:0003582. Disease mechanism: loss of function.

Submission:

Labcorp Genetics (formerly Invitae), Labcorp
Classification: Pathogenic for Hereditary breast ovarian cancer syndrome. Last evaluated: 2023-09-01. Review status: criteria provided, single submitter. Criteria: Invitae Variant Classification Sherloc (09022015). Collection method: clinical testing. Allele origin: germline.
Comment: For these reasons, this variant has been classified as Pathogenic. This premature translational stop signal has been observed in individual(s) with breast and ovarian cancer (PMID: 28802053). This variant is not present in population databases (gnomAD no frequency). This sequence change creates a premature translational stop signal (p.Tyr1552*) in the BRCA1 gene. It is expected to result in an absent or disrupted protein product. Loss-of-function variants in BRCA1 are known to be pathogenic (PMID: 20104584).

Literature cited by the submitters: PubMed 28802053; PubMed 20104584.

NM_007294.4(BRCA1):c.4656C>A (p.Tyr1552Ter)

Gene: BRCA1 (BRCA1 DNA repair associated; minus strand). Cytogenetic location: 17q21.31.
Variant type: single nucleotide variant.
Coding change: c.4656C>A on transcript NM_007294.4 (MANE Select); coding-DNA position 4656, C replaced by A.
Protein change: p.Tyr1552Ter; replaces tyrosine 1552 with a stop codon.
Molecular consequence: nonsense. On other transcripts: non-coding transcript variant (1).
Genome position (GRCh38, 1-based): chr17:43,074,350, G>T on the plus strand (C>A on the coding strand, the complement: BRCA1 is on the minus strand). VCF-style: chr17-43074350-G-T. GRCh37 (hg19) VCF-style: chr17-41226367-G-T.
Other names: c.4323C>A, p.Tyr1441Ter (NM_001407949.1, NM_001407946.1, NM_001407947.1 and 1 more transcripts); c.4320C>A, p.Tyr1440Ter (NM_001407950.1, NM_001407953.1, NM_001407954.1 and 3 more transcripts); c.4317C>A, p.Tyr1439Ter (NM_001407956.1, NM_001407957.1, NM_001407958.1); c.4275C>A, p.Tyr1425Ter (NM_001407959.1); c.4272C>A, p.Tyr1424Ter (NM_001407960.1, NM_001407962.1); c.4269C>A, p.Tyr1423Ter (NM_001407963.1); c.4149C>A, p.Tyr1383Ter (NM_001407965.1); c.3768C>A, p.Tyr1256Ter (NM_001407966.1); and 68 more; short protein forms Y1505*, Y1552*, Y1573*, Y448*, Y1383*, Y1440*, Y1441*, Y1482*.
Identifiers: ClinVar variation 2910428 (VCV002910428.3), dbSNP rs80357151, ClinGen allele CA10592200.
Genomic context (GRCh38, chr17:43,074,350, plus strand): 5'-AAATCAAAGTGTTTGTTCCAATACAGCAGATGAAATATTACCTAGATCTTGCCTTGGCAA[G>T]TAAGATGTTTCCGTCAAATCGTGTGGCCCAGACTCTTCCAGCTGTTGCTCCTCCACATCA-3'